The following is an entry in ClinVar:

NM_032638.5(GATA2):c.707T>C (p.Met236Thr)

Gene: GATA2 (GATA binding protein 2; minus strand). Cytogenetic location: 3q21.3.
Variant type: single nucleotide variant.
Coding change: c.707T>C on transcript NM_032638.5 (MANE Select); coding-DNA position 707, T replaced by C.
Protein change: p.Met236Thr; replaces methionine 236 with threonine.
Molecular consequence: missense variant.
Genome position (GRCh38, 1-based): chr3:128,485,891, A>G on the plus strand (T>C on the coding strand, the complement: GATA2 is on the minus strand). VCF-style: chr3-128485891-A-G. GRCh37 (hg19) VCF-style: chr3-128204734-A-G.
Other names: c.707T>C, p.Met236Thr (NM_001145661.2, NM_001145662.1); short protein forms M236T.
Identifiers: ClinVar variation 404086 (VCV000404086.14), dbSNP rs61754578, ClinGen allele CA2599972.

ClinVar aggregate classification (germline): Uncertain significance. Review status: criteria provided, multiple submitters, no conflicts (2 of 4 stars). 5 submissions from 5 submitters: Uncertain significance (5). Last evaluated 2025-09-02.

Conditions:
Acute myeloid leukemia (AML). Also called: Leukemia, acute myeloid, somatic; Leukemia, acute myelogenous, somatic; Acute myeloid leukemia, adult; AML adult; Acute non-lymphocytic leukemia; Acute granulocytic leukemia. Identifiers: Orphanet 519, MedGen C0023467, MeSH D015470, MONDO:0018874, OMIM 601626, HP:0004808. Disease mechanism: Constitutively activated FLT3.
Deafness-lymphedema-leukemia syndrome. Also called: Emberger syndrome; Lymphedema, primary, with myelodysplasia. Identifiers: Orphanet 3226, MedGen C3279664, MONDO:0013540, OMIM 614038.
Monocytopenia with susceptibility to infections. Also called: MONOCYTOPENIA AND MYCOBACTERIAL INFECTION SYNDROME; MONOCYTOPENIA WITH SUSCEPTIBILITY TO MYCOBACTERIAL, FUNGAL, AND PAPILLOMAVIRUS INFECTIONS AND MYELODYSPLASIA; COMBINED IMMUNODEFICIENCY WITH SUSCEPTIBILITY TO MYCOBACTERIAL, VIRAL, AND FUNGAL INFECTIONS; Dendritic cell, monocyte, B lymphocyte, and natural killer lymphocyte deficiency; IMMUNODEFICIENCY 21; GATA2 DEFICIENCY. Identifiers: Orphanet 228423, MedGen C3280030, MONDO:0013607, OMIM 614172.
Inborn genetic diseases. Identifiers: MedGen C0950123, MeSH D030342.

Allele frequency attached by ClinVar (database versions not stated): gnomAD 0.00001; TOPMed 0.00001; ExAC 0.00002; gnomAD exomes 0.00002 and 0.00003.
gnomAD v4.1: 48 of 1,613,974 alleles (0.003%); highest among the groups gnomAD compares: Non-Finnish European, 0.004%; no homozygotes.

Submissions (5):

Labcorp Genetics (formerly Invitae), Labcorp
Classification: Uncertain significance for Monocytopenia with susceptibility to infections; Deafness-lymphedema-leukemia syndrome. Last evaluated: 2025-09-02. Review status: criteria provided, single submitter. Criteria: Invitae Variant Classification Sherloc (09022015). Collection method: clinical testing. Allele origin: germline.
Comment: This sequence change replaces methionine, which is neutral and non-polar, with threonine, which is neutral and polar, at codon 236 of the GATA2 protein (p.Met236Thr). This variant is present in population databases (rs61754578, gnomAD 0.003%). This variant has not been reported in the literature in individuals affected with GATA2-related conditions. ClinVar contains an entry for this variant (Variation ID: 404086). Invitae Evidence Modeling of protein sequence and biophysical properties (such as structural, functional, and spatial information, amino acid conservation, physicochemical variation, residue mobility, and thermodynamic stability) indicates that this missense variant is not expected to disrupt GATA2 protein function with a negative predictive value of 95%. In summary, the available evidence is currently insufficient to determine the role of this variant in disease. Therefore, it has been classified as a Variant of Uncertain Significance.

Ambry Genetics
Classification: Uncertain significance for Inborn genetic diseases. Last evaluated: 2025-01-16. Review status: criteria provided, single submitter. Criteria: Ambry Variant Classification Scheme 2023. Collection method: clinical testing. Allele origin: germline.
Comment: The p.M236T variant (also known as c.707T>C), located in coding exon 2 of the GATA2 gene, results from a T to C substitution at nucleotide position 707. The methionine at codon 236 is replaced by threonine, an amino acid with similar properties. This amino acid position is highly conserved in available vertebrate species. In addition, this alteration is predicted to be deleterious by in silico analysis. Based on the available evidence, the clinical significance of this variant remains unclear.

Baylor Genetics
Classification: Uncertain significance for Acute myeloid leukemia. Last evaluated: 2024-03-27. Review status: criteria provided, single submitter. Criteria: ACMG Guidelines, 2015. Collection method: clinical testing. Allele origin: unknown.

GeneDx
Classification: Uncertain significance. Last evaluated: 2022-12-13. Review status: criteria provided, single submitter. Criteria: GeneDx Variant Classification Process June 2021. Collection method: clinical testing. Allele origin: germline. Affected: yes.
Comment: Not observed at significant frequency in large population cohorts (gnomAD); In silico analysis supports that this missense variant does not alter protein structure/function; Has not been previously published as pathogenic or benign to our knowledge

PreventionGenetics, part of Exact Sciences
Classification: Uncertain significance. Last evaluated: 2019-03-20. Review status: criteria provided, single submitter. Criteria: ACMG Guidelines, 2015. Collection method: clinical testing. Allele origin: germline.